The following is an entry in ClinVar:

ClinVar aggregate classification (germline): Conflicting classifications of pathogenicity. Review status: criteria provided, conflicting classifications (1 of 4 stars). 4 submissions from 4 submitters: Uncertain significance (3); Likely benign (1). Last evaluated 2024-04-10.

Conditions:
Hereditary cancer-predisposing syndrome. Also called: Neoplastic Syndromes, Hereditary; Hereditary Cancer Syndrome; Tumor predisposition; Hereditary neoplastic syndrome. Identifiers: Orphanet 140162, MedGen C0027672, MeSH D009386, MONDO:0015356.
Hereditary breast ovarian cancer syndrome. Also called: Hereditary breast and ovarian cancer syndrome; Hereditary breast and ovarian cancer syndrome (HBOC); BRCA1- and BRCA2-Associated Hereditary Breast and Ovarian Cancer; Hereditary breast and ovarian cancer; Hereditary breast and/or ovarian cancer syndrome; Breast and ovarian cancer. Identifiers: Orphanet 145, MedGen C0677776, MeSH D061325, MONDO:0003582. Disease mechanism: loss of function.

Submissions (4):

Ambry Genetics
Classification: Uncertain significance for Hereditary cancer-predisposing syndrome. Last evaluated: 2024-04-10. Review status: criteria provided, single submitter. Criteria: Ambry Variant Classification Scheme 2023. Collection method: clinical testing. Allele origin: germline.
Comment: The p.Q850R variant (also known as c.2549A>G), located in coding exon 10 of the BRCA2 gene, results from an A to G substitution at nucleotide position 2549. The glutamine at codon 850 is replaced by arginine, an amino acid with highly similar properties. This amino acid position is not well conserved in available vertebrate species. In addition, this alteration is predicted to be tolerated by in silico analysis. Since supporting evidence is limited at this time, the clinical significance of this alteration remains unclear.

University of Washington Department of Laboratory Medicine, University of Washington
Classification: Likely benign for Hereditary cancer-predisposing syndrome. Last evaluated: 2023-03-23. Review status: criteria provided, single submitter. Criteria: Dines et al. (Genet Med. 2020). Collection method: curation. Allele origin: germline.
Comment: Missense variant in a coldspot region where missense variants are very unlikely to be pathogenic (PMID:31911673).

BRCA2 exon 11 coldspot. Reclassification based on statistical prior probability.

Labcorp Genetics (formerly Invitae), Labcorp
Classification: Uncertain significance for Hereditary breast ovarian cancer syndrome. Last evaluated: 2022-11-08. Review status: criteria provided, single submitter. Criteria: Invitae Variant Classification Sherloc (09022015). Collection method: clinical testing. Allele origin: germline.
Comment: In summary, the available evidence is currently insufficient to determine the role of this variant in disease. Therefore, it has been classified as a Variant of Uncertain Significance. Advanced modeling of protein sequence and biophysical properties (such as structural, functional, and spatial information, amino acid conservation, physicochemical variation, residue mobility, and thermodynamic stability) performed at Invitae indicates that this missense variant is not expected to disrupt BRCA2 protein function. ClinVar contains an entry for this variant (Variation ID: 1038009). This variant has not been reported in the literature in individuals affected with BRCA2-related conditions. This variant is not present in population databases (gnomAD no frequency). This sequence change replaces glutamine, which is neutral and polar, with arginine, which is basic and polar, at codon 850 of the BRCA2 protein (p.Gln850Arg).

Color Diagnostics, LLC DBA Color Health
Classification: Uncertain significance for Hereditary cancer-predisposing syndrome. Last evaluated: 2022-09-26. Review status: criteria provided, single submitter. Criteria: ACMG Guidelines, 2015. Collection method: clinical testing. Allele origin: germline.
Comment: This missense variant replaces glutamine with arginine at codon 850 of the BRCA2 protein. Computational prediction suggests that this variant may not impact protein structure and function (internally defined REVEL score threshold <= 0.5, PMID: 27666373). To our knowledge, functional studies have not been reported for this variant. This variant has not been reported in individuals affected with hereditary cancer in the literature. This variant has not been identified in the general population by the Genome Aggregation Database (gnomAD). The available evidence is insufficient to determine the role of this variant in disease conclusively. Therefore, this variant is classified as a Variant of Uncertain Significance.

NM_000059.4(BRCA2):c.2549A>G (p.Gln850Arg)

Gene: BRCA2 (BRCA2 DNA repair associated; plus strand). Cytogenetic location: 13q13.1.
Variant type: single nucleotide variant.
Coding change: c.2549A>G on transcript NM_000059.4 (MANE Select); coding-DNA position 2549, A replaced by G.
Protein change: p.Gln850Arg; replaces glutamine 850 with arginine.
Molecular consequence: missense variant.
Genome position (GRCh38, 1-based): chr13:32,336,904, A>G. VCF-style: chr13-32336904-A-G. GRCh37 (hg19) VCF-style: chr13-32911041-A-G.
Other names: short protein forms Q850R.
Identifiers: ClinVar variation 1038009 (VCV001038009.16), dbSNP rs2072459937, ClinGen allele CA387772519.